The following is an entry in ClinVar:

ClinVar aggregate classification (germline): Uncertain significance (1 of 4 stars; one submission).

Submission:

GeneDx
Classification: Uncertain significance. Last evaluated: 2024-07-16. Review status: criteria provided, single submitter. Criteria: GeneDx Variant Classification Process June 2021. Collection method: clinical testing. Allele origin: germline. Affected: yes.
Comment: Not observed at significant frequency in large population cohorts (gnomAD); In silico analysis indicates that this missense variant does not alter protein structure/function; Has not been previously published as pathogenic or benign to our knowledge

NM_001273.5(CHD4):c.5182A>G (p.Ile1728Val)

Genes: CHD4 (chromodomain helicase DNA binding protein 4; minus strand), CHD4-AS1 (CHD4 antisense RNA 1; plus strand). Cytogenetic location: 12p13.31.
Variant type: single nucleotide variant.
Coding change: c.5182A>G on transcript NM_001273.5 (MANE Select); coding-DNA position 5182, A replaced by G.
Protein change: p.Ile1728Val; replaces isoleucine 1728 with valine.
Molecular consequence: missense variant.
Genome position (GRCh38, 1-based): chr12:6,578,075, T>C on the plus strand (A>G on the coding strand, the complement: CHD4 is on the minus strand). VCF-style: chr12-6578075-T-C. GRCh37 (hg19) VCF-style: chr12-6687241-T-C.
Other names: c.5161A>G, p.Ile1721Val (NM_001297553.2); c.5149A>G, p.Ile1717Val (NM_001363606.2); short protein forms I1717V, I1721V, I1728V.
Identifiers: ClinVar variation 3573633 (VCV003573633.1).